The following is an entry in ClinVar:

NM_000158.4(GBE1):c.981T>A (p.Phe327Leu)

Gene: GBE1 (1,4-alpha-glucan branching enzyme 1; minus strand). Cytogenetic location: 3p12.2.
Variant type: single nucleotide variant.
Coding change: c.981T>A on transcript NM_000158.4 (MANE Select); coding-DNA position 981, T replaced by A.
Protein change: p.Phe327Leu; replaces phenylalanine 327 with leucine.
Molecular consequence: missense variant.
Genome position (GRCh38, 1-based): chr3:81,642,792, A>T on the plus strand (T>A on the coding strand, the complement: GBE1 is on the minus strand). VCF-style: chr3-81642792-A-T. GRCh37 (hg19) VCF-style: chr3-81691943-A-T.
Other names: short protein forms F327L.
Identifiers: ClinVar variation 2201655 (VCV002201655.1), dbSNP rs1222245746, ClinGen allele CA353687149.

ClinVar aggregate classification (germline): Uncertain significance (1 of 4 stars; one submission).

Conditions:
Glycogen storage disease IV, classic hepatic. Also called: GSD IV, CLASSIC HEPATIC. Identifiers: MedGen C1856301.
Glycogen storage disease, type IV (GSD4). Also called: Glycogen storage disease due to glycogen branching enzyme deficiency; AMYLOPECTINOSIS; ANDERSEN DISEASE; BRANCHER DEFICIENCY; CIRRHOSIS, FAMILIAL, WITH DEPOSITION OF ABNORMAL GLYCOGEN; GBE1 DEFICIENCY. Identifiers: Orphanet 367, MedGen C0017923, MONDO:0009292, OMIM 232500.

gnomAD v4.1: 1 of 1,607,604 alleles (0.000062%); highest among the groups gnomAD compares: Admixed American, 0.0017%; no homozygotes.

Submission:

Labcorp Genetics (formerly Invitae), Labcorp
Classification: Uncertain significance for Glycogen storage disease, type IV; Glycogen storage disease IV, classic hepatic. Last evaluated: 2022-06-12. Review status: criteria provided, single submitter. Criteria: Invitae Variant Classification Sherloc (09022015). Collection method: clinical testing. Allele origin: germline.
Comment: This sequence change replaces phenylalanine, which is neutral and non-polar, with leucine, which is neutral and non-polar, at codon 327 of the GBE1 protein (p.Phe327Leu). This variant is not present in population databases (gnomAD no frequency). This variant has not been reported in the literature in individuals affected with GBE1-related conditions. Advanced modeling of protein sequence and biophysical properties (such as structural, functional, and spatial information, amino acid conservation, physicochemical variation, residue mobility, and thermodynamic stability) performed at Invitae indicates that this missense variant is expected to disrupt GBE1 protein function. In summary, the available evidence is currently insufficient to determine the role of this variant in disease. Therefore, it has been classified as a Variant of Uncertain Significance.